The following is an entry in ClinVar:

NM_000426.4(LAMA2):c.2322+10C>G

Gene: LAMA2 (laminin subunit alpha 2; plus strand). Cytogenetic location: 6q22.33.
Variant type: single nucleotide variant.
Coding change: c.2322+10C>G on transcript NM_000426.4 (MANE Select); 10 bases into the intron after coding-DNA position 2322, C replaced by G.
Molecular consequence: intron variant.
Genome position (GRCh38, 1-based): chr6:129,267,229, C>G. VCF-style: chr6-129267229-C-G. GRCh37 (hg19) VCF-style: chr6-129588374-C-G.
Other names: c.2322+10C>G (NM_001079823.2, NM_000426.3).
Identifiers: ClinVar variation 2165175 (VCV002165175.5), dbSNP rs768864490, ClinGen allele CA1094386894.

ClinVar aggregate classification (germline): Likely benign. Review status: criteria provided, multiple submitters, no conflicts (2 of 4 stars). 2 submissions from 2 submitters: Likely benign (2). Last evaluated 2025-05-09.

Conditions:
LAMA2-related muscular dystrophy (LAMA2-RD). Also called: Laminin alpha 2-related dystrophy. Identifiers: MedGen C5679788, MONDO:0100228.

Allele frequency attached by ClinVar (database versions not stated): gnomAD 0.00001; TOPMed 0.00001.
gnomAD v4.1: 2 of 1,555,620 alleles (0.00013%); highest among the groups gnomAD compares: Admixed American, 0.0033%; no homozygotes.

Submissions (2):

Athena Diagnostics
Classification: Likely benign. Last evaluated: 2025-05-09. Review status: criteria provided, single submitter. Criteria: Athena Diagnostics Criteria. Collection method: clinical testing. Allele origin: unknown.
Comment: Computational tools yielded predictions that this variant is unlikely to have an effect on normal RNA splicing. This nucleotide position exhibits low evolutionary conservation.

Labcorp Genetics (formerly Invitae), Labcorp
Classification: Likely benign for LAMA2-related muscular dystrophy. Last evaluated: 2024-08-27. Review status: criteria provided, single submitter. Criteria: Invitae Variant Classification Sherloc (09022015). Collection method: clinical testing. Allele origin: germline.